The following is an entry in ClinVar:

GRCh38/hg38 4q24(chr4:103206629-103697110)x3

Genes: LINC02428 (long intergenic non-protein coding RNA 2428; plus strand), TACR3 (tachykinin receptor 3; minus strand), TACR3-AS1 (TACR3 antisense RNA 1; plus strand), LOC126807129 (BRD4-independent group 4 enhancer GRCh37_chr4:104176632-104177831; plus strand). Cytogenetic location: 4q24.
Variant type: copy number gain.
Change: copy number 3 (three copies instead of two) of chr4:103,206,629-103,697,110 (490.5 kb, GRCh38 coordinates, 1-based), cytogenetic band 4q24.
Identifiers: ClinVar variation 4852078 (VCV004852078.1).

ClinVar aggregate classification (germline): Uncertain significance (1 of 4 stars; one submission).

Submission:

Clinical Genomics Laboratory, Laboratory for Precision Diagnostics, University of Washington
Classification: Uncertain significance. Last evaluated: 2022-05-03. Review status: criteria provided, single submitter. Criteria: ACMG/ClinGen CNV Guidelines, 2019. Collection method: clinical testing. Allele origin: unknown. Affected: yes. Observed: 1 variant allele.
Comment: The classification of this duplication is uncertain, per ACMGG interpretation standards. It affects protein-coding elements (Section 1, 0 points) but doesn’t overlap any known dosage sensitive genes or regions (Section 2, 0 points). A single protein-coding gene is affected by the duplication (Section 3, 0 points). A review of public databases (ClinVar, DECIPHER) and the medical literature shows one similar duplication in ClinVar, classified as Benign on 6/19/14 (VCV000607247.1) (Section 4, 0 points). There are no similar duplications in the Database of Genomic Variants (DGV) or gnomAD (Section 4O, 0 points). Parental testing has not been done (Section 5, 0 points).